The following is an entry in ClinVar:

ClinVar aggregate classification (germline): Uncertain significance (1 of 4 stars; one submission).

Submission:

Labcorp Genetics (formerly Invitae), Labcorp
Classification: Uncertain significance. Last evaluated: 2025-10-20. Review status: criteria provided, single submitter. Criteria: Invitae Variant Classification Sherloc (09022015). Collection method: clinical testing. Allele origin: germline.
Comment: This sequence change replaces glycine, which is neutral and non-polar, with glutamic acid, which is acidic and polar, at codon 1826 of the KMT2E protein (p.Gly1826Glu). This variant is not present in population databases (gnomAD no frequency). This variant has not been reported in the literature in individuals affected with KMT2E-related conditions. An algorithm developed to predict the effect of missense changes on protein structure and function (PolyPhen-2) suggests that this variant is likely to be disruptive. In summary, the available evidence is currently insufficient to determine the role of this variant in disease. Therefore, it has been classified as a Variant of Uncertain Significance.

NM_182931.3(KMT2E):c.5477G>A (p.Gly1826Glu)

Gene: KMT2E (lysine methyltransferase 2E (inactive); plus strand). Cytogenetic location: 7q22.3.
Variant type: single nucleotide variant.
Coding change: c.5477G>A on transcript NM_182931.3 (MANE Select); coding-DNA position 5477, G replaced by A.
Protein change: p.Gly1826Glu; replaces glycine 1826 with glutamic acid.
Molecular consequence: missense variant.
Genome position (GRCh38, 1-based): chr7:105,113,233, G>A. VCF-style: chr7-105113233-G-A. GRCh37 (hg19) VCF-style: chr7-104753680-G-A.
Other names: c.5351G>A, p.Gly1784Glu (NM_001410908.1); c.5477G>A, p.Gly1826Glu (NM_018682.4); short protein forms G1826E, G1784E.
Identifiers: ClinVar variation 4697351 (VCV004697351.1).